The following is an entry in ClinVar:

NM_000170.3(GLDC):c.1850+6G>A

Gene: GLDC (glycine decarboxylase; minus strand). Cytogenetic location: 9p24.1.
Variant type: single nucleotide variant.
Coding change: c.1850+6G>A on transcript NM_000170.3 (MANE Select); 6 bases into the intron after coding-DNA position 1850, G replaced by A.
Molecular consequence: intron variant.
Genome position (GRCh38, 1-based): chr9:6,587,135, C>T on the plus strand (G>A on the coding strand, the complement: GLDC is on the minus strand). VCF-style: chr9-6587135-C-T. GRCh37 (hg19) VCF-style: chr9-6587135-C-T.
Other names: c.1850+6G>A (NM_000170.2).
Identifiers: ClinVar variation 2049589 (VCV002049589.3), dbSNP rs768874148, ClinGen allele CA4980529.

ClinVar aggregate classification (germline): Uncertain significance. Review status: criteria provided, multiple submitters, no conflicts (2 of 4 stars). 3 submissions from 3 submitters: Uncertain significance (3). Last evaluated 2025-11-27.

Conditions:
Inborn genetic diseases. Identifiers: MedGen C0950123, MeSH D030342.
Glycine encephalopathy. Also called: Nonketotic hyperglycinemia; Non-ketotic hyperglycinemia. Identifiers: Orphanet 407, MedGen C0751748, MONDO:0011612, HP:0008288.

Allele frequency attached by ClinVar (database versions not stated): ExAC 0.00001.
gnomAD v4.1: 16 of 1,610,478 alleles (0.00099%); highest among the groups gnomAD compares: Admixed American, 0.0017%; no homozygotes.

Submissions (3):

Women's Health and Genetics/Laboratory Corporation of America, LabCorp
Classification: Uncertain significance. Last evaluated: 2025-11-27. Review status: criteria provided, single submitter. Criteria: LabCorp Variant Classification Summary - May 2015. Collection method: clinical testing. Allele origin: germline.

Ambry Genetics
Classification: Uncertain significance for Inborn genetic diseases. Last evaluated: 2024-11-25. Review status: criteria provided, single submitter. Criteria: Ambry Variant Classification Scheme 2023. Collection method: clinical testing. Allele origin: germline.
Comment: The c.1850+6G>A intronic alteration consists of a G to A substitution nucleotides after coding exon 15 in the GLDC gene. Based on insufficient or conflicting evidence, the clinical significance of this alteration remains unclear.

Labcorp Genetics (formerly Invitae), Labcorp
Classification: Uncertain significance for Glycine encephalopathy. Last evaluated: 2022-01-26. Review status: criteria provided, single submitter. Criteria: Invitae Variant Classification Sherloc (09022015). Collection method: clinical testing. Allele origin: germline.
Comment: This sequence change falls in intron 15 of the GLDC gene. It does not directly change the encoded amino acid sequence of the GLDC protein. It affects a nucleotide within the consensus splice site. This variant is present in population databases (rs768874148, gnomAD 0.0009%). This variant has not been reported in the literature in individuals affected with GLDC-related conditions. Variants that disrupt the consensus splice site are a relatively common cause of aberrant splicing (PMID: 17576681, 9536098). Algorithms developed to predict the effect of sequence changes on RNA splicing suggest that this variant is not likely to affect RNA splicing. In summary, the available evidence is currently insufficient to determine the role of this variant in disease. Therefore, it has been classified as a Variant of Uncertain Significance.

Literature cited by the submitters: PubMed 17576681 (cited by Labcorp Genetics (formerly Invitae), Labcorp); PubMed 9536098 (cited by Labcorp Genetics (formerly Invitae), Labcorp).